The following is an entry in ClinVar:

ClinVar aggregate classification (germline): Uncertain significance (1 of 4 stars; one submission).

Conditions:
Brown-Vialetto-van Laere syndrome 1. Also called: BROWN-VIALETTO-VAN LAERE SYNDROME 1, MILD; BULBAR PALSY, PROGRESSIVE, WITH SENSORINEURAL DEAFNESS; PONTOBULBAR PALSY WITH DEAFNESS. Identifiers: Orphanet 572550, Orphanet 97229, MedGen C0796274, MONDO:0024537, OMIM 211530.

Allele frequency attached by ClinVar (database versions not stated): gnomAD exomes below 0.00001.

Submission:

Labcorp Genetics (formerly Invitae), Labcorp
Classification: Uncertain significance for Brown-Vialetto-van Laere syndrome 1. Last evaluated: 2021-08-28. Review status: criteria provided, single submitter. Criteria: Invitae Variant Classification Sherloc (09022015). Collection method: clinical testing. Allele origin: germline.
Comment: This sequence change replaces phenylalanine with leucine at codon 362 of the SLC52A3 protein (p.Phe362Leu). The phenylalanine residue is moderately conserved and there is a small physicochemical difference between phenylalanine and leucine. This variant is not present in population databases (ExAC no frequency). This variant has not been reported in the literature in individuals affected with SLC52A3-related conditions. Algorithms developed to predict the effect of missense changes on protein structure and function (SIFT, PolyPhen-2, Align-GVGD) all suggest that this variant is likely to be tolerated. In summary, the available evidence is currently insufficient to determine the role of this variant in disease. Therefore, it has been classified as a Variant of Uncertain Significance.

NM_033409.4(SLC52A3):c.1084T>C (p.Phe362Leu)

Gene: SLC52A3 (solute carrier family 52 member 3; minus strand). Cytogenetic location: 20p13.
Variant type: single nucleotide variant.
Coding change: c.1084T>C on transcript NM_033409.4 (MANE Select); coding-DNA position 1084, T replaced by C.
Protein change: p.Phe362Leu; replaces phenylalanine 362 with leucine.
Molecular consequence: missense variant.
Genome position (GRCh38, 1-based): chr20:761,814, A>G on the plus strand (T>C on the coding strand, the complement: SLC52A3 is on the minus strand). VCF-style: chr20-761814-A-G. GRCh37 (hg19) VCF-style: chr20-742458-A-G.
Other names: c.1084T>C, p.Phe362Leu (NM_001370085.1, NM_001370086.1); short protein forms F362L.
Identifiers: ClinVar variation 1408752 (VCV001408752.5), dbSNP rs1568718167, ClinGen allele CA407962477.